The following is an entry in ClinVar:

ClinVar aggregate classification (germline): Uncertain significance (1 of 4 stars; one submission).

Submission:

GeneDx
Classification: Uncertain significance. Last evaluated: 2026-03-26. Review status: criteria provided, single submitter. Criteria: GeneDx Variant Classification Process June 2021. Collection method: clinical testing. Allele origin: germline.
Comment: Not observed at significant frequency in large population cohorts (gnomAD); In silico analysis suggests that this missense variant does not alter protein structure/function; Has not been previously published as pathogenic or benign to our knowledge

NM_001287491.2(TET3):c.946C>T (p.Pro316Ser)

Gene: TET3 (tet methylcytosine dioxygenase 3; plus strand). Cytogenetic location: 2p13.1.
Variant type: single nucleotide variant.
Coding change: c.946C>T on transcript NM_001287491.2 (MANE Select); coding-DNA position 946, C replaced by T.
Protein change: p.Pro316Ser; replaces proline 316 with serine.
Molecular consequence: missense variant.
Genome position (GRCh38, 1-based): chr2:74,046,863, C>T. VCF-style: chr2-74046863-C-T. GRCh37 (hg19) VCF-style: chr2-74273990-C-T.
Other names: c.667C>T, p.Pro223Ser (NM_001366022.1); c.541C>T, p.Pro181Ser (NM_144993.1); short protein forms P181S, P223S, P316S.
Identifiers: ClinVar variation 2663617 (VCV002663617.2), dbSNP rs2467431136, ClinGen allele CA347326258.
Genomic context (GRCh38, chr2:74,046,863, plus strand): 5'-GAAGGAGGGGAGGAGCGGCCCAGGCTCCCAGGGCCTCTGCCTCCTGGTGAGGCCGGCCTC[C>T]CAGCACCAAGCACCAGGCCACTCCTCAGCTCAGAGGTGCCCCAGATCTCTCCCCAAGAGG-3'
Protein context (NP_001274420.1, residues 306-326): GPLPPGEAGL[Pro316Ser]APSTRPLLSS